The following is an entry in ClinVar:

NM_003924.4(PHOX2B):c.880G>A (p.Val294Ile)

Gene: PHOX2B (paired like homeobox 2B; minus strand). Cytogenetic location: 4p13.
Variant type: single nucleotide variant.
Coding change: c.880G>A on transcript NM_003924.4 (MANE Select); coding-DNA position 880, G replaced by A.
Protein change: p.Val294Ile; replaces valine 294 with isoleucine.
Molecular consequence: missense variant.
Genome position (GRCh38, 1-based): chr4:41,745,872, C>T on the plus strand (G>A on the coding strand, the complement: PHOX2B is on the minus strand). VCF-style: chr4-41745872-C-T. GRCh37 (hg19) VCF-style: chr4-41747889-C-T.
Other names: short protein forms V294I.
Identifiers: ClinVar variation 3240116 (VCV003240116.2), dbSNP rs772358257.

ClinVar aggregate classification (germline): Uncertain significance. Review status: criteria provided, multiple submitters, no conflicts (2 of 4 stars). 2 submissions from 2 submitters: Uncertain significance (2). Last evaluated 2026-07-06.

Conditions:
Neuroblastoma, susceptibility to, 2. Identifiers: Orphanet 635, MedGen C2751682, MONDO:0700041, OMIM 613013.
Hereditary cancer-predisposing syndrome. Also called: Neoplastic Syndromes, Hereditary; Tumor predisposition; Hereditary Cancer Syndrome; Hereditary neoplastic syndrome. Identifiers: Orphanet 140162, MedGen C0027672, MeSH D009386, MONDO:0015356.

Allele frequency attached by ClinVar (database versions not stated): gnomAD exomes below 0.00001; ExAC 0.00001.
gnomAD v4.1: 2 of 1,609,098 alleles (0.00012%); highest among the groups gnomAD compares: Non-Finnish European, 0.00017%; no homozygotes.

Submissions (2):

Ambry Genetics
Classification: Uncertain significance for Hereditary cancer-predisposing syndrome. Last evaluated: 2026-07-06. Review status: criteria provided, single submitter. Criteria: Ambry Variant Classification Scheme 2023. Collection method: clinical testing. Allele origin: germline.
Comment: The p.V294I variant (also known as c.880G>A), located in coding exon 3 of the PHOX2B gene, results from a G to A substitution at nucleotide position 880. The valine at codon 294 is replaced by isoleucine, an amino acid with highly similar properties. This amino acid position is conserved. In addition, the in silico prediction for this alteration is inconclusive. Based on the available evidence, the clinical significance of this variant remains unclear.

Baylor Genetics
Classification: Uncertain significance for Neuroblastoma, susceptibility to, 2. Last evaluated: 2024-01-17. Review status: criteria provided, single submitter. Criteria: ACMG Guidelines, 2015. Collection method: clinical testing. Allele origin: unknown.